The following is an entry in ClinVar:

ClinVar aggregate classification (germline): Pathogenic/Likely pathogenic. Review status: criteria provided, multiple submitters, no conflicts (2 of 4 stars). 3 submissions from 3 submitters: Pathogenic (2); Likely pathogenic (1). Last evaluated 2024-05-14.

Conditions:
Acute infantile liver failure due to synthesis defect of mtDNA-encoded proteins. Also called: LIVER FAILURE, INFANTILE, TRANSIENT; Liver failure acute infantile; TRMU Deficiency. Identifiers: Orphanet 217371, MedGen C3278664, MONDO:0013111, OMIM 613070.

Allele frequency attached by ClinVar (database versions not stated): gnomAD exomes below 0.00001.

Submissions (3):

Myriad Genetics, Inc.
Classification: Pathogenic for Acute infantile liver failure due to synthesis defect of mtDNA-encoded proteins. Last evaluated: 2024-05-14. Review status: criteria provided, single submitter. Criteria: Myriad Autosomal Dominant, Autosomal Recessive and X-Linked Classification Criteria (2023). Collection method: clinical testing. Allele origin: unknown.
Comment: NM_018006.4(TRMU):c.711dupG(Q238Afs*14) is expected to be pathogenic in the context of acute liver failure, TRMU-related. This variant is predicted to lead to an abnormal or absent protein product due to the creation of a premature termination codon in TRMU, a gene where loss-of-function variants are known to be pathogenic. Please note: this variant was assessed in the context of healthy population screening.

Labcorp Genetics (formerly Invitae), Labcorp
Classification: Pathogenic. Last evaluated: 2023-07-28. Review status: criteria provided, single submitter. Criteria: Invitae Variant Classification Sherloc (09022015). Collection method: clinical testing. Allele origin: germline.
Comment: This premature translational stop signal has been observed in individual(s) with combined respiratory chain deficiency (PMID: 21169334). ClinVar contains an entry for this variant (Variation ID: 2434263). For these reasons, this variant has been classified as Pathogenic. This variant is not present in population databases (gnomAD no frequency). This sequence change creates a premature translational stop signal (p.Gln238Alafs*14) in the TRMU gene. It is expected to result in an absent or disrupted protein product. Loss-of-function variants in TRMU are known to be pathogenic (PMID: 19732863, 23625533).

Revvity Omics, Revvity
Classification: Likely pathogenic for Acute infantile liver failure due to synthesis defect of mtDNA-encoded proteins. Last evaluated: 2022-06-29. Review status: criteria provided, single submitter. Criteria: ACMG Guidelines, 2015. Collection method: clinical testing. Allele origin: germline.

Literature cited by the submitters: PubMed 21169334 (cited by Labcorp Genetics (formerly Invitae), Labcorp); PubMed 19732863 (cited by Labcorp Genetics (formerly Invitae), Labcorp); PubMed 23625533 (cited by Labcorp Genetics (formerly Invitae), Labcorp).

NM_018006.5(TRMU):c.711dup (p.Gln238fs)

Gene: TRMU (tRNA mitochondrial 2-thiouridylase; plus strand). Cytogenetic location: 22q13.31.
Variant type: Duplication.
Coding change: c.711dup on transcript NM_018006.5 (MANE Select); coding-DNA position 711, one base duplicated (G; older notation c.711dupG).
Protein change: p.Gln238fs; shifts the reading frame from glutamine 238.
Molecular consequence: frameshift variant. On other transcripts: non-coding transcript variant (2).
Genome position (GRCh38, 1-based): chr22:46,352,269, G duplicated. VCF-style (leftmost placement, unchanged base first): chr22-46352268-T-TG. GRCh37 (hg19) VCF-style: chr22-46748165-T-TG.
Other names: c.*155dup (NM_001008568.2); c.*249dup (NM_001008570.2); c.369dup, p.Gln124fs (NM_001282782.2); c.291dup, p.Gln98fs (NM_001282783.2, NM_001282784.2); c.711dup, p.Gln238fs (NM_001282785.2); short protein forms Q124fs, Q238fs, Q98fs.
Identifiers: ClinVar variation 2434263 (VCV002434263.7), dbSNP rs2078453451, ClinGen allele CA2408700853.
Genomic context (GRCh38, chr22:46,352,268, plus strand): 5'-CTGCGTGTCTGCCCTGGGCCTAGATCTCCGTCGGTAATGACATGTTTGTTTTCCAGTATC[T>TG]GCAGCCTCGACCTGGTCACTTTATTTCCATAGAAGACAATAAGGTTCTGGGAACACATAA-3'